The following is an entry in ClinVar:

NM_001164508.2(NEB):c.6184-2A>G

Gene: NEB (nebulin; minus strand). Cytogenetic location: 2q23.3.
Variant type: single nucleotide variant.
Coding change: c.6184-2A>G on transcript NM_001164508.2 (MANE Select); the canonical splice acceptor site of the intron before coding-DNA position 6184, A replaced by G.
Molecular consequence: splice acceptor variant.
Genome position (GRCh38, 1-based): chr2:151,656,466, T>C on the plus strand (A>G on the coding strand, the complement: NEB is on the minus strand). VCF-style: chr2-151656466-T-C. GRCh37 (hg19) VCF-style: chr2-152512980-T-C.
Other names: c.6184-2A>G (NM_004543.5, NM_001164507.2, NM_001271208.2).
Identifiers: ClinVar variation 805081 (VCV000805081.1), dbSNP rs1575300582, ClinGen allele CA348800623.

ClinVar aggregate classification (germline): Pathogenic (1 of 4 stars; one submission).

Submission:

Athena Diagnostics
Classification: Pathogenic. Last evaluated: 2018-09-04. Review status: criteria provided, single submitter. Criteria: Athena Diagnostics Criteria. Collection method: clinical testing. Allele origin: germline.
Comment: The variant disrupts a canonical splice site, and is therefore predicted to significantly disrupt the protein structure. Found in at least one symptomatic patient, and not found in general population data.